The following is an entry in ClinVar:

NM_025244.4(TSGA10):c.1218+4T>G

Gene: TSGA10 (testis specific 10; minus strand). Cytogenetic location: 2q11.2.
Variant type: single nucleotide variant.
Coding change: c.1218+4T>G on transcript NM_025244.4 (MANE Select); 4 bases into the intron after coding-DNA position 1218, T replaced by G.
Molecular consequence: intron variant.
Genome position (GRCh38, 1-based): chr2:99,068,884, A>C on the plus strand (T>G on the coding strand, the complement: TSGA10 is on the minus strand). VCF-style: chr2-99068884-A-C. GRCh37 (hg19) VCF-style: chr2-99685347-A-C.
Other names: NC_000002.11:g.99685347A>C; c.891+4T>G (NM_001349013.2, NM_001349014.1); c.1218+4T>G (NM_182911.4, NM_001349012.1).
Identifiers: ClinVar variation 773485 (VCV000773485.34), dbSNP rs145023979, ClinGen allele CA1796760.
Genomic context (GRCh38, chr2:99,068,884, plus strand): 5'-AACTTCTAAATTAACTCTAGTGAAAACTAAGTATCATGAGCAAAAAGAAAAAAAAAATAC[A>C]TACTTCAGACTTTAATATATTCTTCAGCTTGTTAACCTCCAAATTAGTATCTTGAACCTT-3'

ClinVar aggregate classification (germline): Benign/Likely benign. Review status: criteria provided, multiple submitters, no conflicts (2 of 4 stars). 5 submissions from 5 submitters: Benign (2); Likely benign (2). 1 of the submissions does not count toward it. Last evaluated 2026-08-01.

Conditions:
TSGA10-related disorder. Also called: TSGA10-related condition.

Allele frequency attached by ClinVar (database versions not stated): 1000 Genomes Project 0.00260; 1000 Genomes Project 30x 0.00265; ESP Exome Variant Server 0.00486; TOPMed 0.00507; gnomAD 0.00513 and 0.00530; gnomAD exomes 0.00522 and 0.00592; ExAC 0.00527.
gnomAD v4.1: 8,072 of 1,378,796 alleles (0.59%); highest among the groups gnomAD compares: Middle Eastern, 1%; 33 homozygotes.

Submissions (8):

CeGaT Center for Human Genetics Tuebingen
Classification: Likely benign. Last evaluated: 2026-08-01. Review status: criteria provided, single submitter. Criteria: CeGaT Center For Human Genetics Tuebingen Variant Classification Criteria Version 2. Collection method: clinical testing. Allele origin: germline. Affected: yes. Observed: 7 variant alleles.
Comment: TSGA10: BP4, BS2

Blueprint Genetics
Classification: Likely benign. Last evaluated: 2024-11-22. Review status: criteria provided, single submitter. Criteria: ACMG Guidelines, 2015. Collection method: clinical testing. Allele origin: germline.

Labcorp Genetics (formerly Invitae), Labcorp
Classification: Benign. Last evaluated: 2018-07-31. Review status: criteria provided, single submitter. Criteria: Invitae Variant Classification Sherloc (09022015). Collection method: clinical testing. Allele origin: germline.

Breakthrough Genomics
Classification: Benign. Review status: criteria provided, single submitter. Criteria: ACMG Guidelines, 2015. Collection method: not provided. Allele origin: germline. Inheritance: Autosomal recessive inheritance. Affected: yes.

PreventionGenetics, part of Exact Sciences
Classification: Likely benign for TSGA10-related condition. Last evaluated: 2022-03-28. Review status: no assertion criteria provided. Collection method: clinical testing. Allele origin: germline. Not counted in ClinVar's aggregate classification.
Comment: This variant is classified as likely benign based on ACMG/AMP sequence variant interpretation guidelines (Richards et al. 2015 PMID: 25741868, with internal and published modifications).

Dr. Peter K. Rogan Lab, Western University
No classification provided (evidence only). Condition: Clear cell carcinoma of kidney. Review status: no classification provided. Collection method: in vitro. Allele origin: not applicable. Functional consequence: retained intron. Not counted in ClinVar's aggregate classification.

Dr. Peter K. Rogan Lab, Western University
No classification provided (evidence only). Condition: Uterine corpus endometrial carcinoma. Review status: no classification provided. Collection method: in vitro. Allele origin: not applicable. Functional consequence: retained intron. Not counted in ClinVar's aggregate classification.

Dr. Peter K. Rogan Lab, Western University
No classification provided (evidence only). Condition: Gastric cancer. Review status: no classification provided. Collection method: in vitro. Allele origin: not applicable. Functional consequence: retained intron. Not counted in ClinVar's aggregate classification.